The following is an entry in ClinVar:

NM_001110556.2(FLNA):c.2954T>C (p.Val985Ala)

Gene: FLNA (filamin A; minus strand). Cytogenetic location: Xq28.
Variant type: single nucleotide variant.
Coding change: c.2954T>C on transcript NM_001110556.2 (MANE Select); coding-DNA position 2954, T replaced by C.
Protein change: p.Val985Ala; replaces valine 985 with alanine.
Molecular consequence: missense variant.
Genome position (GRCh38, 1-based): chrX:154,361,561, A>G on the plus strand (T>C on the coding strand, the complement: FLNA is on the minus strand). VCF-style: chrX-154361561-A-G. GRCh37 (hg19) VCF-style: chrX-153589929-A-G.
Other names: p.Val985Ala; c.2954T>C, p.Val985Ala (NM_001456.4); c.2954T>C (NM_001110556.1); short protein forms V985A.
Identifiers: ClinVar variation 1166036 (VCV001166036.13), dbSNP rs782804253, ClinGen allele CA10560792.
Genomic context (GRCh38, chrX:154,361,561, plus strand): 5'-GCCACTTTGCCTTGACCACCAGCACCCTTTGATTTGACTGTGAACTCCTGGTCTTTGCCA[A>G]CGTCCACCTCTGTGGAAACGATGAAAGGAAGGAGAGAGACATGACACCCAGCTCAGCCAA-3'
Protein context (NP_001104026.1, residues 975-995): KVSGLGEKVD[Val985Ala]GKDQEFTVKS

ClinVar aggregate classification (germline): Conflicting classifications of pathogenicity. Review status: criteria provided, conflicting classifications (1 of 4 stars). 3 submissions from 3 submitters: Uncertain significance (1); Benign (1); Likely benign (1). Last evaluated 2026-09-21.

Conditions:
Oto-palato-digital syndrome, type II (OPD2). Also called: FACIOPALATOOSSEOUS SYNDROME; Otopalatodigital Syndrome Type 2 (FLNA-OPD2); Otopalatodigital Syndrome, Type II; OPD II SYNDROME. Identifiers: Orphanet 669, Orphanet 90652, MedGen C1844696, MONDO:0010571, OMIM 304120.
Melnick-Needles syndrome (MNS). Also called: MELNICK-NEEDLES OSTEODYSPLASTY; Melnick-Needles Syndrome (FLNA-MNS); OSTEODYSPLASTY OF MELNICK AND NEEDLES. Identifiers: Orphanet 2484, MedGen C0025237, MONDO:0010650, OMIM 309350.
Frontometaphyseal dysplasia (FMD1). Identifiers: Orphanet 1826, MedGen C0265293, MONDO:0015942.
Heterotopia, periventricular, X-linked dominant (PVNH1). Also called: PERIVENTRICULAR NODULAR HETEROTOPIA 4; HETEROTOPIA, PERIVENTRICULAR, 1; X-linked periventricular heterotopia; PERIVENTRICULAR NODULAR HETEROTOPIA 1. Identifiers: Orphanet 2149, Orphanet 82004, MedGen C1848213, MONDO:0010233, OMIM 300049.
FLNA-related disorder.

Allele frequency attached by ClinVar (database versions not stated): gnomAD 0.00003; gnomAD exomes 0.00009 and 0.00018; ExAC 0.00015.
gnomAD v4.1: 100 of 1,209,705 alleles (0.0083%); highest among the groups gnomAD compares: South Asian, 0.17%; no homozygotes.

Submissions (3):

PreventionGenetics, part of Exact Sciences
Classification: Likely benign for FLNA-related condition. Last evaluated: 2026-09-21. Review status: criteria provided, single submitter. Criteria: ACMG Guidelines, 2015. Collection method: clinical testing. Allele origin: germline.
Comment: This variant is classified as likely benign based on ACMG/AMP sequence variant interpretation guidelines (Richards et al. 2015 PMID: 25741868, with internal and published modifications).

Labcorp Genetics (formerly Invitae), Labcorp
Classification: Benign for Oto-palato-digital syndrome, type II; Heterotopia, periventricular, X-linked dominant; Frontometaphyseal dysplasia; Melnick-Needles syndrome. Last evaluated: 2026-01-02. Review status: criteria provided, single submitter. Criteria: Invitae Variant Classification Sherloc (09022015). Collection method: clinical testing. Allele origin: germline.

Mayo Clinic Laboratories, Mayo Clinic
Classification: Uncertain significance. Last evaluated: 2021-07-23. Review status: criteria provided, single submitter. Criteria: ACMG Guidelines, 2015. Collection method: clinical testing. Allele origin: germline.